The following is an entry in ClinVar:

NM_001130438.3(SPTAN1):c.4345-14C>T

Gene: SPTAN1 (spectrin alpha, non-erythrocytic 1; plus strand). Cytogenetic location: 9q34.11.
Variant type: single nucleotide variant.
Coding change: c.4345-14C>T on transcript NM_001130438.3 (MANE Select); 14 bases into the intron before coding-DNA position 4345, C replaced by T.
Molecular consequence: intron variant.
Genome position (GRCh38, 1-based): chr9:128,608,116, C>T. VCF-style: chr9-128608116-C-T. GRCh37 (hg19) VCF-style: chr9-131370395-C-T.
Other names: c.4345-14C>T (NM_001363759.2, NM_003127.4); c.4285-14C>T (NM_001363765.2, NM_001195532.2).
Identifiers: ClinVar variation 680415 (VCV000680415.1), dbSNP rs201755611, ClinGen allele CA5265165.
Genomic context (GRCh38, chr9:128,608,116, plus strand): 5'-GTGCTCCTGGTTTCTGACCAAGTGTTTCCTTGCTGAAGGGCCTCATTTTCTCACCTGCCT[C>T]TTGCCCTCTTTAGCTGTTCCATCGGGACTGTGAGCAAGCTGAGAACTGGATGGCTGCCCG-3'

ClinVar aggregate classification (germline): Likely benign (1 of 4 stars; one submission).

Allele frequency attached by ClinVar (database versions not stated): gnomAD 0.00001; gnomAD exomes 0.00002 and 0.00004; ExAC 0.00006; 1000 Genomes Project 30x 0.00016; 1000 Genomes Project 0.00020.
gnomAD v4.1: 33 of 1,614,196 alleles (0.002%); highest among the groups gnomAD compares: East Asian, 0.074%; no homozygotes.

Submission:

GeneDx
Classification: Likely benign. Last evaluated: 2018-03-15. Review status: criteria provided, single submitter. Criteria: GeneDx Variant Classification (06012015). Collection method: clinical testing. Allele origin: germline. Affected: yes.
Comment: This variant is considered likely benign or benign based on one or more of the following criteria: it is a conservative change, it occurs at a poorly conserved position in the protein, it is predicted to be benign by multiple in silico algorithms, and/or has population frequency not consistent with disease.